The following is an entry in ClinVar:

NM_004360.5(CDH1):c.2038A>G (p.Thr680Ala)

Gene: CDH1 (cadherin 1; plus strand). Cytogenetic location: 16q22.1.
Variant type: single nucleotide variant.
Coding change: c.2038A>G on transcript NM_004360.5 (MANE Select); coding-DNA position 2038, A replaced by G.
Protein change: p.Thr680Ala; replaces threonine 680 with alanine.
Molecular consequence: missense variant.
Genome position (GRCh38, 1-based): chr16:68,823,500, A>G. VCF-style: chr16-68823500-A-G. GRCh37 (hg19) VCF-style: chr16-68857403-A-G.
Other names: c.2038A>G (LRG_301t1); c.1855A>G, p.Thr619Ala (NM_001317184.2); c.490A>G, p.Thr164Ala (NM_001317185.2); c.73A>G, p.Thr25Ala (NM_001317186.2); short protein forms T680A, T164A, T619A, T25A.
Identifiers: ClinVar variation 231066 (VCV000231066.19), dbSNP rs876658936, ClinGen allele CA10580146.

ClinVar aggregate classification (germline): Uncertain significance. Review status: criteria provided, multiple submitters, no conflicts (2 of 4 stars). 5 submissions from 5 submitters: Uncertain significance (5). Last evaluated 2025-09-25.

Conditions:
Hereditary diffuse gastric adenocarcinoma (HDGC). Also called: DIFFUSE GASTRIC AND LOBULAR BREAST CANCER SYNDROME. Identifiers: Orphanet 26106, MedGen C1708349, MONDO:0007648, OMIM 137215.
Familial cancer of breast. Also called: Hereditary breast cancer; hereditary breast carcinoma; BREAST CANCER, FAMILIAL. Identifiers: Orphanet 227535, MedGen C0346153, MONDO:0016419, OMIM 114480. Disease mechanism: loss of function.
Endometrial carcinoma. Also called: Endometrial carcinoma, somatic. Identifiers: MedGen C0476089, MONDO:0002447, OMIM 608089, HP:0012114.
Ovarian cancer. Also called: OVARIAN CANCER, SOMATIC. Identifiers: Orphanet 213500, MedGen C1140680, MONDO:0008170, OMIM 167000.
Blepharocheilodontic syndrome 1 (BCDS1). Identifiers: Orphanet 1997, MedGen C4551988, MONDO:0054740, OMIM 119580.
Hereditary cancer-predisposing syndrome. Also called: Hereditary Cancer Syndrome; Neoplastic Syndromes, Hereditary; Tumor predisposition; Hereditary neoplastic syndrome. Identifiers: Orphanet 140162, MedGen C0027672, MeSH D009386, MONDO:0015356.

Allele frequency attached by ClinVar (database versions not stated): gnomAD exomes below 0.00001; TOPMed below 0.00001.
gnomAD v4.1: 2 of 1,613,298 alleles (0.00012%); highest among the groups gnomAD compares: Non-Finnish European, 0.000085%; no homozygotes.

Submissions (5):

Ambry Genetics
Classification: Uncertain significance for Hereditary cancer-predisposing syndrome. Last evaluated: 2025-09-25. Review status: criteria provided, single submitter. Criteria: Ambry Variant Classification Scheme 2023. Collection method: clinical testing. Allele origin: germline.
Comment: The p.T680A variant (also known as c.2038A>G), located in coding exon 13 of the CDH1 gene, results from an A to G substitution at nucleotide position 2038. The threonine at codon 680 is replaced by alanine, an amino acid with similar properties. This amino acid position is not well conserved in available vertebrate species. In addition, this alteration is predicted to be tolerated by in silico analysis. Since supporting evidence is limited at this time, the clinical significance of this alteration remains unclear.

Labcorp Genetics (formerly Invitae), Labcorp
Classification: Uncertain significance for Hereditary diffuse gastric adenocarcinoma. Last evaluated: 2025-08-25. Review status: criteria provided, single submitter. Criteria: Invitae Variant Classification Sherloc (09022015). Collection method: clinical testing. Allele origin: germline.
Comment: This sequence change replaces threonine, which is neutral and polar, with alanine, which is neutral and non-polar, at codon 680 of the CDH1 protein (p.Thr680Ala). This variant is not present in population databases (gnomAD no frequency). This variant has not been reported in the literature in individuals affected with CDH1-related conditions. ClinVar contains an entry for this variant (Variation ID: 231066). An algorithm developed to predict the effect of missense changes on protein structure and function (PolyPhen-2) suggests that this variant is likely to be tolerated. In summary, the available evidence is currently insufficient to determine the role of this variant in disease. Therefore, it has been classified as a Variant of Uncertain Significance.

KCCC/NGS Laboratory, Kuwait Cancer Control Center
Classification: Uncertain significance for Hereditary diffuse gastric adenocarcinoma. Last evaluated: 2025-04-21. Review status: criteria provided, single submitter. Criteria: ACMG Guidelines, 2015. Collection method: clinical testing. Allele origin: germline. Inheritance: Autosomal dominant inheritance. Affected: yes. Observed: 1 heterozygote.
Comment: This sequence change replaces threonine, which is neutral and polar, with alanine, which is neutral and non-polar, at codon 680 of the CDH1 protein (p.Thr680Ala). This amino acid position is not well conserved (PhyloP=3.51) . This variant is not present in population databases (gnomAD no frequency). This variant has not been reported in the literature in individuals affected with CDH1- related conditions. ClinVar contains an entry for this variant (Variation ID: 231066). In addition, this alteration is predicted to be tolerated by in silico analysis. In summary, the available evidence is currently insufficient to determine the role of this variant in disease. Therefore, it has been classified as a Variant of Uncertain Significance.

Fulgent Genetics
Classification: Uncertain significance for Familial cancer of breast; Blepharocheilodontic syndrome 1; Hereditary diffuse gastric adenocarcinoma; Ovarian cancer; Endometrial carcinoma. Last evaluated: 2024-01-17. Review status: criteria provided, single submitter. Criteria: ACMG Guidelines, 2015. Collection method: clinical testing. Allele origin: germline.

Color Diagnostics, LLC DBA Color Health
Classification: Uncertain significance for Hereditary cancer-predisposing syndrome. Last evaluated: 2023-12-05. Review status: criteria provided, single submitter. Criteria: ACMG Guidelines, 2015. Collection method: clinical testing. Allele origin: germline.
Comment: This missense variant replaces threonine with alanine at codon 680 of the CDH1 protein. To our knowledge, functional studies have not been reported for this variant. This variant has not been reported in individuals affected with hereditary cancer in the literature. This variant has not been identified in the general population by the Genome Aggregation Database (gnomAD). The available evidence is insufficient to determine the role of this variant in disease conclusively. Therefore, this variant is classified as a Variant of Uncertain Significance.